The following is an entry in ClinVar:

ClinVar aggregate classification (germline): Uncertain significance. Review status: criteria provided, multiple submitters, no conflicts (2 of 4 stars). 2 submissions from 2 submitters: Uncertain significance (2). Last evaluated 2024-01-08.

Conditions:
Hermansky-Pudlak syndrome 2 (HPS2). Also called: Platelet defects and oculocutaneous albinism. Identifiers: Orphanet 183678, Orphanet 79430, MedGen C1842362, MONDO:0011997, OMIM 608233.

Allele frequency attached by ClinVar (database versions not stated): gnomAD exomes 0.00002 and 0.00001.
gnomAD v4.1: 31 of 1,613,834 alleles (0.0019%); highest among the groups gnomAD compares: Middle Eastern, 0.016%; no homozygotes.

Submissions (2):

Labcorp Genetics (formerly Invitae), Labcorp
Classification: Uncertain significance for Hermansky-Pudlak syndrome 2. Last evaluated: 2024-01-08. Review status: criteria provided, single submitter. Criteria: Invitae Variant Classification Sherloc (09022015). Collection method: clinical testing. Allele origin: germline.
Comment: This sequence change replaces cysteine, which is neutral and slightly polar, with tyrosine, which is neutral and polar, at codon 448 of the AP3B1 protein (p.Cys448Tyr). This variant is present in population databases (rs201877252, gnomAD 0.002%). This variant has not been reported in the literature in individuals affected with AP3B1-related conditions. ClinVar contains an entry for this variant (Variation ID: 624052). An algorithm developed to predict the effect of missense changes on protein structure and function (PolyPhen-2) suggests that this variant¬†is likely to be tolerated. In summary, the available evidence is currently insufficient to determine the role of this variant in disease. Therefore, it has been classified as a Variant of Uncertain Significance.

CeGaT Center for Human Genetics Tuebingen
Classification: Uncertain significance. Last evaluated: 2018-07-01. Review status: criteria provided, single submitter. Criteria: CeGaT Center For Human Genetics Tuebingen Variant Classification Criteria Version 2. Collection method: clinical testing. Allele origin: germline. Affected: yes. Observed: 1 variant allele.

NM_003664.5(AP3B1):c.1343G>A (p.Cys448Tyr)

Gene: AP3B1 (adaptor related protein complex 3 subunit beta 1; minus strand). Cytogenetic location: 5q14.1.
Variant type: single nucleotide variant.
Coding change: c.1343G>A on transcript NM_003664.5 (MANE Select); coding-DNA position 1343, G replaced by A.
Protein change: p.Cys448Tyr; replaces cysteine 448 with tyrosine.
Molecular consequence: missense variant.
Genome position (GRCh38, 1-based): chr5:78,162,839, C>T on the plus strand (G>A on the coding strand, the complement: AP3B1 is on the minus strand). VCF-style: chr5-78162839-C-T. GRCh37 (hg19) VCF-style: chr5-77458663-C-T.
Other names: c.1196G>A, p.Cys399Tyr (NM_001271769.2); short protein forms C448Y, C399Y.
Identifiers: ClinVar variation 624052 (VCV000624052.47), dbSNP rs201877252, ClinGen allele CA121110179.